The following is an entry in ClinVar:

NM_001127208.3(TET2):c.3921del (p.Lys1308fs)

Genes: TET2 (tet methylcytosine dioxygenase 2; plus strand), TET2-AS1 (TET2 antisense RNA 1; minus strand). Cytogenetic location: 4q24.
Variant type: Deletion.
Coding change: c.3921del on transcript NM_001127208.3 (MANE Select); coding-DNA position 3921, one base deleted (G; older notation c.3921delG).
Protein change: p.Lys1308fs; shifts the reading frame from lysine 1308.
Molecular consequence: frameshift variant.
Genome position (GRCh38, 1-based): chr4:105,259,736, G deleted; the last of 2 consecutive G bases (chr4:105,259,735-105,259,736); deleting either gives the same sequence. VCF-style (leftmost placement, unchanged base first): chr4-105259734-AG-A. GRCh37 (hg19) VCF-style: chr4-106180891-AG-A.
Other names: short protein forms K1308fs.
Identifiers: ClinVar variation 2851241 (VCV002851241.3), dbSNP rs2476623170, ClinGen allele CA440538502.

ClinVar aggregate classification (germline): Pathogenic (1 of 4 stars; one submission).

Submission:

Labcorp Genetics (formerly Invitae), Labcorp
Classification: Pathogenic. Last evaluated: 2023-03-31. Review status: criteria provided, single submitter. Criteria: Invitae Variant Classification Sherloc (09022015). Collection method: clinical testing. Allele origin: germline.
Comment: For these reasons, this variant has been classified as Pathogenic. This variant has not been reported in the literature in individuals affected with TET2-related conditions. This variant is not present in population databases (gnomAD no frequency). This sequence change creates a premature translational stop signal (p.Lys1308Serfs*55) in the TET2 gene. It is expected to result in an absent or disrupted protein product. Loss-of-function variants in TET2 are known to be pathogenic (PMID: 36066697).

Literature cited by the submitters: PubMed 36066697.